The following is an entry in ClinVar:

NM_016120.4(RLIM):c.956T>C (p.Ile319Thr)

Gene: RLIM (ring finger protein, LIM domain interacting; minus strand). Cytogenetic location: Xq13.2.
Variant type: single nucleotide variant.
Coding change: c.956T>C on transcript NM_016120.4 (MANE Select); coding-DNA position 956, T replaced by C.
Protein change: p.Ile319Thr; replaces isoleucine 319 with threonine.
Molecular consequence: missense variant.
Genome position (GRCh38, 1-based): chrX:74,592,359, A>G on the plus strand (T>C on the coding strand, the complement: RLIM is on the minus strand). VCF-style: chrX-74592359-A-G. GRCh37 (hg19) VCF-style: chrX-73812194-A-G.
Other names: c.956T>C, p.Ile319Thr (NM_183353.3); short protein forms I319T.
Identifiers: ClinVar variation 3361843 (VCV003361843.2).

ClinVar aggregate classification (germline): Uncertain significance (1 of 4 stars; one submission).

Submission:

GeneDx
Classification: Uncertain significance. Last evaluated: 2025-06-15. Review status: criteria provided, single submitter. Criteria: GeneDx Variant Classification Process June 2021. Collection method: clinical testing. Allele origin: germline.
Comment: Not observed at significant frequency in large population cohorts (gnomAD); In silico analysis supports that this missense variant has a deleterious effect on protein structure/function; Has not been previously published as pathogenic or benign to our knowledge